The following is an entry in ClinVar:

NM_145239.3(PRRT2):c.219_220del (p.Glu73fs)

Genes: MVP-DT (MVP divergent transcript; minus strand), PRRT2 (proline rich transmembrane protein 2; plus strand). Cytogenetic location: 16p11.2.
Variant type: Microsatellite.
Coding change: c.219_220del on transcript NM_145239.3 (MANE Select); coding-DNA positions 219 to 220, 2 bases deleted (GA; older notation c.219_220delGA).
Protein change: p.Glu73fs; shifts the reading frame from glutamic acid 73.
Molecular consequence: frameshift variant.
Genome position (GRCh38, 1-based): chr16:29,813,273-29,813,274, GA deleted; deleting any 2 consecutive bases within chr16:29,813,270-29,813,274 gives the same sequence; the c. name uses the placement nearest the transcript's 3' end. VCF-style (leftmost placement, unchanged base first): chr16-29813269-CAG-C. GRCh37 (hg19) VCF-style: chr16-29824590-CAG-C.
Other names: c.219_220del, p.Glu73fs (NM_001256442.2, NM_001256443.2); short protein forms E73fs.
Identifiers: ClinVar variation 3372727 (VCV003372727.3).
Genomic context (GRCh38, chr16:29,813,269, plus strand): 5'-CAAACACCACTGCGGCCCCTGTGGACTCAGGGCCCAAGGCTGGGCTGGCTCCAGAAACCA[CAG>C]AGACCCCGGCTGGGGCCTCAGAAACAGCCCAGGCCACAGACCTCAGCTTAAGCCCAGGAG-3'

ClinVar aggregate classification (germline): Pathogenic. Review status: criteria provided, multiple submitters, no conflicts (2 of 4 stars). 2 submissions from 2 submitters: Pathogenic (2). Last evaluated 2024-12-30.

Conditions:
Episodic kinesigenic dyskinesia (EKD). Also called: Paroxysmal kinesigenic dyskinesia. Identifiers: Orphanet 98809, MedGen C1868682, MONDO:0044202.

Submissions (2):

Labcorp Genetics (formerly Invitae), Labcorp
Classification: Pathogenic for Episodic kinesigenic dyskinesia. Last evaluated: 2024-12-30. Review status: criteria provided, single submitter. Criteria: Invitae Variant Classification Sherloc (09022015). Collection method: clinical testing. Allele origin: germline.
Comment: This sequence change creates a premature translational stop signal (p.Glu73Aspfs*60) in the PRRT2 gene. It is expected to result in an absent or disrupted protein product. Loss-of-function variants in PRRT2 are known to be pathogenic (PMID: 22623405, 22744660). This variant is not present in population databases (gnomAD no frequency). This variant has not been reported in the literature in individuals affected with PRRT2-related conditions. For these reasons, this variant has been classified as Pathogenic.

GeneDx
Classification: Pathogenic. Last evaluated: 2024-04-29. Review status: criteria provided, single submitter. Criteria: GeneDx Variant Classification Process June 2021. Collection method: clinical testing. Allele origin: germline. Affected: yes.
Comment: Frameshift variant predicted to result in protein truncation or nonsense mediated decay in a gene for which loss of function is a known mechanism of disease; Not observed at significant frequency in large population cohorts (gnomAD); Has not been previously published as pathogenic or benign to our knowledge

Literature cited by the submitters: PubMed 22623405 (cited by Labcorp Genetics (formerly Invitae), Labcorp); PubMed 22744660 (cited by Labcorp Genetics (formerly Invitae), Labcorp).